The following is an entry in ClinVar:

ClinVar aggregate classification (germline): Pathogenic (1 of 4 stars; one submission).

Conditions:
Anauxetic dysplasia. Identifiers: Orphanet 93347, MedGen C1846796, MONDO:0011773.

Submission:

Labcorp Genetics (formerly Invitae), Labcorp
Classification: Pathogenic for Anauxetic dysplasia. Last evaluated: 2023-04-08. Review status: criteria provided, single submitter. Criteria: Invitae Variant Classification Sherloc (09022015). Collection method: clinical testing. Allele origin: germline.
Comment: For these reasons, this variant has been classified as Pathogenic. While functional studies for this variant have not been reported, experimental analyses using patient derived cells, as well as in vitro transfection studies, have shown that promoter insertions result in silencing of RMRP transcription and reduced expression of the gene product (PMID: 11207361, 16254002). While this particular variant has not been reported in the literature, it is located in the promoter region between the TATA box and the transcription initiation site, and other insertions and duplications immediately upstream of the coding sequence have been reported in individuals affected with cartilage-hair hypoplasia-anauxetic dysplasia (CHH-AD) spectrum disorders (PMID: 16244706, 11207361, 12107819). This variant is not present in population databases (gnomAD no frequency). This variant occurs in the RMRP gene, which encodes an RNA molecule that does not result in a protein product.

Literature cited by the submitters: PubMed 11207361; PubMed 16254002; PubMed 16244706; PubMed 12107819.

NC_000009.12:g.35658022_35658023insTCTCAGCT

Gene: RMRP (RNA component of mitochondrial RNA processing endoribonuclease; minus strand). Cytogenetic location: 9p13.3.
Variant type: Insertion.
Genome position: GRCh38 VCF-style: chr9-35658021-G-GTTCTCAGC. GRCh37 (hg19) VCF-style: chr9-35658018-G-GTTCTCAGC.
Identifiers: ClinVar variation 2998603 (VCV002998603.3), dbSNP rs1408633343, ClinGen allele CA863578663.